The following is an entry in ClinVar:

ClinVar aggregate classification (germline): Uncertain significance. Review status: criteria provided, multiple submitters, no conflicts (2 of 4 stars). 3 submissions from 3 submitters: Uncertain significance (3). Last evaluated 2025-04-14.

Conditions:
Intellectual disability, autosomal dominant 16 (CSS4). Also called: COFFIN-SIRIS SYNDROME 4. Identifiers: Orphanet 1465, MedGen C3553249, MONDO:0013821, OMIM 614609.
Rhabdoid tumor predisposition syndrome 2 (RTPS2). Identifiers: Orphanet 231108, Orphanet 69077, MedGen C2750074, MONDO:0013224, OMIM 613325.
Hereditary cancer-predisposing syndrome. Also called: Neoplastic Syndromes, Hereditary; Tumor predisposition; Hereditary neoplastic syndrome; Hereditary Cancer Syndrome. Identifiers: Orphanet 140162, MedGen C0027672, MeSH D009386, MONDO:0015356.

Allele frequency attached by ClinVar (database versions not stated): gnomAD exomes below 0.00001; gnomAD 0.00001.
gnomAD v4.1: 3 of 1,614,070 alleles (0.00019%); highest among the groups gnomAD compares: Non-Finnish European, 0.00025%; no homozygotes.

Submissions (3):

Labcorp Genetics (formerly Invitae), Labcorp
Classification: Uncertain significance for Rhabdoid tumor predisposition syndrome 2. Last evaluated: 2025-04-14. Review status: criteria provided, single submitter. Criteria: Invitae Variant Classification Sherloc (09022015). Collection method: clinical testing. Allele origin: germline.
Comment: This sequence change replaces alanine, which is neutral and non-polar, with valine, which is neutral and non-polar, at codon 400 of the SMARCA4 protein (p.Ala400Val). This variant is not present in population databases (gnomAD no frequency). This variant has not been reported in the literature in individuals affected with SMARCA4-related conditions. ClinVar contains an entry for this variant (Variation ID: 641634). Invitae Evidence Modeling of protein sequence and biophysical properties (such as structural, functional, and spatial information, amino acid conservation, physicochemical variation, residue mobility, and thermodynamic stability) has been performed for this missense variant. However, the output from this modeling did not meet the statistical confidence thresholds required to predict the impact of this variant on SMARCA4 protein function. In summary, the available evidence is currently insufficient to determine the role of this variant in disease. Therefore, it has been classified as a Variant of Uncertain Significance.

Ambry Genetics
Classification: Uncertain significance for Hereditary cancer-predisposing syndrome. Last evaluated: 2025-01-29. Review status: criteria provided, single submitter. Criteria: Ambry Variant Classification Scheme 2023. Collection method: clinical testing. Allele origin: germline.
Comment: The p.A400V variant (also known as c.1199C>T), located in coding exon 6 of the SMARCA4 gene, results from a C to T substitution at nucleotide position 1199. The alanine at codon 400 is replaced by valine, an amino acid with similar properties. This amino acid position is highly conserved in available vertebrate species. In addition, this alteration is predicted to be deleterious by in silico analysis. Based on the available evidence, the clinical significance of this variant remains unclear.

Genome-Nilou Lab
Classification: Uncertain significance for Intellectual disability, autosomal dominant 16. Last evaluated: 2021-07-15. Review status: criteria provided, single submitter. Criteria: ACMG Guidelines, 2015. Collection method: clinical testing. Allele origin: germline. Affected: no.

NM_003072.5(SMARCA4):c.1199C>T (p.Ala400Val)

Gene: SMARCA4 (SWI/SNF related BAF chromatin remodeling complex subunit ATPase 4; plus strand). Cytogenetic location: 19p13.2.
Variant type: single nucleotide variant.
Coding change: c.1199C>T on transcript NM_003072.5 (MANE Select); coding-DNA position 1199, C replaced by T.
Protein change: p.Ala400Val; replaces alanine 400 with valine.
Molecular consequence: missense variant. On other transcripts: non-coding transcript variant (1).
Genome position (GRCh38, 1-based): chr19:10,989,397, C>T. VCF-style: chr19-10989397-C-T. GRCh37 (hg19) VCF-style: chr19-11100073-C-T.
Other names: c.1199C>T, p.Ala400Val (NM_001128844.3, NM_001128845.2, NM_001128846.2 and 5 more transcripts); short protein forms A400V.
Identifiers: ClinVar variation 641634 (VCV000641634.16), dbSNP rs1246299696, ClinGen allele CA404059667.